The following is an entry in ClinVar:

NM_020708.5(SLC12A5):c.1667A>G (p.Glu556Gly)

Gene: SLC12A5 (solute carrier family 12 member 5; plus strand). Cytogenetic location: 20q13.12.
Variant type: single nucleotide variant.
Coding change: c.1667A>G on transcript NM_020708.5 (MANE Select); coding-DNA position 1667, A replaced by G.
Protein change: p.Glu556Gly; replaces glutamic acid 556 with glycine.
Molecular consequence: missense variant.
Genome position (GRCh38, 1-based): chr20:46,045,975, A>G. VCF-style: chr20-46045975-A-G. GRCh37 (hg19) VCF-style: chr20-44674614-A-G.
Other names: c.1736A>G, p.Glu579Gly (NM_001134771.2); short protein forms E556G, E579G.
Identifiers: ClinVar variation 1993433 (VCV001993433.4), dbSNP rs2084591517, ClinGen allele CA409196501.

ClinVar aggregate classification (germline): Uncertain significance (1 of 4 stars; one submission).

Conditions:
Developmental and epileptic encephalopathy, 34 (DEE34). Also called: SLC12A5-Related Epilepsy of Infancy with Migrating Focal Seizures; Early infantile epileptic encephalopathy 34. Identifiers: Orphanet 293181, MedGen C4225257, MONDO:0014718, OMIM 616645.

Allele frequency attached by ClinVar (database versions not stated): TOPMed below 0.00001.

Submission:

Labcorp Genetics (formerly Invitae), Labcorp
Classification: Uncertain significance for Developmental and epileptic encephalopathy, 34. Last evaluated: 2024-02-23. Review status: criteria provided, single submitter. Criteria: Invitae Variant Classification Sherloc (09022015). Collection method: clinical testing. Allele origin: germline.
Comment: This sequence change replaces glutamic acid, which is acidic and polar, with glycine, which is neutral and non-polar, at codon 556 of the SLC12A5 protein (p.Glu556Gly). This variant is not present in population databases (gnomAD no frequency). This variant has not been reported in the literature in individuals affected with SLC12A5-related conditions. ClinVar contains an entry for this variant (Variation ID: 1993433). Advanced modeling of protein sequence and biophysical properties (such as structural, functional, and spatial information, amino acid conservation, physicochemical variation, residue mobility, and thermodynamic stability) performed at Invitae indicates that this missense variant is not expected to disrupt SLC12A5 protein function with a negative predictive value of 80%. In summary, the available evidence is currently insufficient to determine the role of this variant in disease. Therefore, it has been classified as a Variant of Uncertain Significance.